The following is an entry in ClinVar:

ClinVar aggregate classification (germline): Likely benign. Review status: criteria provided, multiple submitters, no conflicts (2 of 4 stars). 4 submissions from 4 submitters: Likely benign (2). 2 of the submissions do not count toward it. Last evaluated 2026-02-02.

Conditions:
NR2E3-related disorder. Also called: NR2E3-related condition; NR2E3-related disorders. Identifiers: MedGen CN239387.
Enhanced S-cone syndrome (ESCS). Identifiers: Orphanet 53540, MedGen C1849394, MONDO:0100288, MONDO:0009989.

Allele frequency attached by ClinVar (database versions not stated): gnomAD exomes 0.00004; TOPMed 0.00008; gnomAD 0.00011; ExAC 0.00018; 1000 Genomes Project 30x 0.00031.
gnomAD v4.1: 41 of 1,575,748 alleles (0.0026%); highest among the groups gnomAD compares: East Asian, 0.03%; no homozygotes.

Submissions (4):

Labcorp Genetics (formerly Invitae), Labcorp
Classification: Likely benign. Last evaluated: 2026-02-02. Review status: criteria provided, single submitter. Criteria: Invitae Variant Classification Sherloc (09022015). Collection method: clinical testing. Allele origin: germline.

Blueprint Genetics
Classification: Likely benign. Last evaluated: 2024-10-23. Review status: criteria provided, single submitter. Criteria: ACMG Guidelines, 2015. Collection method: clinical testing. Allele origin: germline.

Natera, Inc.
Classification: Likely benign for Enhanced S cone syndrome. Last evaluated: 2021-02-02. Review status: no assertion criteria provided. Collection method: clinical testing. Allele origin: germline. Not counted in ClinVar's aggregate classification.

PreventionGenetics, part of Exact Sciences
Classification: Likely benign for NR2E3-related condition. Last evaluated: 2020-07-15. Review status: no assertion criteria provided. Collection method: clinical testing. Allele origin: germline. Not counted in ClinVar's aggregate classification.
Comment: This variant is classified as likely benign based on ACMG/AMP sequence variant interpretation guidelines (Richards et al. 2015 PMID: 25741868, with internal and published modifications).

NM_014249.4(NR2E3):c.51G>A (p.Ala17=)

Gene: NR2E3 (nuclear receptor subfamily 2 group E member 3; plus strand). Cytogenetic location: 15q23.
Variant type: single nucleotide variant.
Coding change: c.51G>A on transcript NM_014249.4 (MANE Select); coding-DNA position 51, G replaced by A.
Protein change: p.Ala17=; no amino-acid change (alanine 17 retained).
Molecular consequence: synonymous variant.
Genome position (GRCh38, 1-based): chr15:71,810,794, G>A. VCF-style: chr15-71810794-G-A. GRCh37 (hg19) VCF-style: chr15-72103134-G-A.
Other names: c.51G>A, p.Ala17= (NM_016346.4).
Identifiers: ClinVar variation 713956 (VCV000713956.15), dbSNP rs753463414, ClinGen allele CA7640179.